The following is an entry in ClinVar:

ClinVar aggregate classification (germline): Uncertain significance (1 of 4 stars; one submission).

Conditions:
Myopathy, proximal, and ophthalmoplegia (CMYO6). Also called: MYOPATHY WITH CONGENITAL JOINT CONTRACTURES, OPHTHALMOPLEGIA, AND RIMMED VACUOLES; INCLUSION BODY MYOPATHY 3, AUTOSOMAL DOMINANT; CONGENITAL MYOPATHY 6 WITH OPHTHALMOPLEGIA. Identifiers: Orphanet 363677, Orphanet 79091, MedGen C1854106, MONDO:0011577, OMIM 605637.

Submission:

Labcorp Genetics (formerly Invitae), Labcorp
Classification: Uncertain significance for Myopathy, proximal, and ophthalmoplegia. Last evaluated: 2025-03-15. Review status: criteria provided, single submitter. Criteria: Invitae Variant Classification Sherloc (09022015). Collection method: clinical testing. Allele origin: germline.
Comment: This sequence change replaces threonine, which is neutral and polar, with isoleucine, which is neutral and non-polar, at codon 760 of the MYH2 protein (p.Thr760Ile). This variant is present in population databases (rs753439654, gnomAD 0.0009%). This variant has not been reported in the literature in individuals affected with MYH2-related conditions. Invitae Evidence Modeling of protein sequence and biophysical properties (such as structural, functional, and spatial information, amino acid conservation, physicochemical variation, residue mobility, and thermodynamic stability) indicates that this missense variant is expected to disrupt MYH2 protein function with a positive predictive value of 80%. In summary, the available evidence is currently insufficient to determine the role of this variant in disease. Therefore, it has been classified as a Variant of Uncertain Significance.

NM_017534.6(MYH2):c.2279C>T (p.Thr760Ile)

Genes: MYHAS (myosin heavy chain gene cluster antisense RNA; plus strand), MYH2 (myosin heavy chain 2; minus strand). Cytogenetic location: 17p13.1.
Variant type: single nucleotide variant.
Coding change: c.2279C>T on transcript NM_017534.6 (MANE Select); coding-DNA position 2279, C replaced by T.
Protein change: p.Thr760Ile; replaces threonine 760 with isoleucine.
Molecular consequence: missense variant.
Genome position (GRCh38, 1-based): chr17:10,533,534, G>A on the plus strand (C>T on the coding strand, the complement: MYH2 is on the minus strand). VCF-style: chr17-10533534-G-A. GRCh37 (hg19) VCF-style: chr17-10436851-G-A.
Other names: c.2279C>T, p.Thr760Ile (NM_001100112.2); short protein forms T760I.
Identifiers: ClinVar variation 4811011 (VCV004811011.1).